The following is an entry in ClinVar:

ClinVar aggregate classification (germline): Benign (1 of 4 stars; one submission).

Conditions:
Acyl-CoA oxidase deficiency. Also called: STRAIGHT-CHAIN ACYL-CoA OXIDASE DEFICIENCY; Pseudoneonatal adrenoleukodystrophy; Peroxisomal acyl-CoA oxidase deficiency. Identifiers: Orphanet 2971, MedGen C1849678, MONDO:0009919, OMIM 264470. Disease mechanism: loss of function.

Allele frequency attached by ClinVar (database versions not stated): gnomAD 0.00666 and 0.00708; 1000 Genomes Project 0.00679; TOPMed 0.00699; 1000 Genomes Project 30x 0.00765.

Submission:

Illumina Laboratory Services, Illumina
Classification: Benign for Acyl-CoA oxidase deficiency. Last evaluated: 2018-01-13. Review status: criteria provided, single submitter. Criteria: ICSL Variant Classification Criteria 13 December 2019. Collection method: clinical testing. Allele origin: germline.
Comment: This variant was observed in the ICSL laboratory as part of a predisposition screen in an ostensibly healthy population. It had not been previously curated by ICSL or reported in the Human Gene Mutation Database (HGMD: prior to June 1st, 2018), and was therefore a candidate for classification through an automated scoring system. Utilizing variant allele frequency, disease prevalence and penetrance estimates, and inheritance mode, an automated score was calculated to assess if this variant is too frequent to cause the disease. Based on the score and internal cut-off values, a variant classified as benign is not then subjected to further curation. The score for this variant resulted in a classification of benign for this disease.

NM_004035.7(ACOX1):c.*4585C>T

Gene: ACOX1 (acyl-CoA oxidase 1; minus strand). Cytogenetic location: 17q25.1.
Variant type: single nucleotide variant.
Coding change: c.*4585C>T on transcript NM_004035.7 (MANE Select); 4585 bases downstream of the stop codon, C replaced by T.
Molecular consequence: 3 prime UTR variant.
Genome position (GRCh38, 1-based): chr17:75,942,163, G>A on the plus strand (C>T on the coding strand, the complement: ACOX1 is on the minus strand). VCF-style: chr17-75942163-G-A. GRCh37 (hg19) VCF-style: chr17-73938244-G-A.
Other names: c.*4585C>T (NM_001185039.2, NM_007292.6).
Identifiers: ClinVar variation 890087 (VCV000890087.4), dbSNP rs145992742, ClinGen allele CA14468782.